The following is an entry in ClinVar:

ClinVar aggregate classification (germline): Likely benign. Review status: criteria provided, multiple submitters, no conflicts (2 of 4 stars). 4 submissions from 4 submitters: Likely benign (4). Last evaluated 2025-12-16.

Conditions:
Dilated cardiomyopathy 1DD (CMD1DD). Identifiers: Orphanet 154, MedGen C2750995, MONDO:0013168, OMIM 613172.
Cardiovascular phenotype. Identifiers: MedGen CN230736.

Allele frequency attached by ClinVar (database versions not stated): gnomAD 0.00001; gnomAD exomes 0.00001; TOPMed 0.00001.
gnomAD v4.1: 34 of 1,551,444 alleles (0.0022%); highest among the groups gnomAD compares: Non-Finnish European, 0.0027%; no homozygotes.

Submissions (4):

Labcorp Genetics (formerly Invitae), Labcorp
Classification: Likely benign for Dilated cardiomyopathy 1DD. Last evaluated: 2025-12-16. Review status: criteria provided, single submitter. Criteria: Invitae Variant Classification Sherloc (09022015). Collection method: clinical testing. Allele origin: germline.

Molecular Diagnostic Laboratory for Inherited Cardiovascular Disease, Montreal Heart Institute
Classification: Likely benign. Last evaluated: 2025-04-09. Review status: criteria provided, single submitter. Criteria: ACMG Guidelines, 2015. Collection method: clinical testing. Allele origin: germline. Affected: no.

Ambry Genetics
Classification: Likely benign for Cardiovascular phenotype. Last evaluated: 2016-08-22. Review status: criteria provided, single submitter. Criteria: Ambry Variant Classification Scheme 2023. Collection method: clinical testing. Allele origin: germline.

GeneDx
Classification: Likely benign. Last evaluated: 2016-07-08. Review status: criteria provided, single submitter. Criteria: GeneDx Variant Classification (06012015). Collection method: clinical testing. Allele origin: germline. Affected: yes.
Comment: This variant is considered likely benign or benign based on one or more of the following criteria: it is a conservative change, it occurs at a poorly conserved position in the protein, it is predicted to be benign by multiple in silico algorithms, and/or has population frequency not consistent with disease.

NM_001134363.3(RBM20):c.2388C>G (p.Pro796=)

Gene: RBM20 (RNA binding motif protein 20; plus strand). Cytogenetic location: 10q25.2.
Variant type: single nucleotide variant.
Coding change: c.2388C>G on transcript NM_001134363.3 (MANE Select); coding-DNA position 2388, C replaced by G.
Protein change: p.Pro796=; no amino-acid change (proline 796 retained).
Molecular consequence: synonymous variant.
Genome position (GRCh38, 1-based): chr10:110,812,785, C>G. VCF-style: chr10-110812785-C-G. GRCh37 (hg19) VCF-style: chr10-112572543-C-G.
Other names: c.2388C>G (LRG_382t1, NM_001134363.2).
Identifiers: ClinVar variation 387459 (VCV000387459.14), dbSNP rs1057522796, ClinGen allele CA16605806.